The following is an entry in ClinVar:

NM_012301.4(MAGI2):c.4232G>A (p.Gly1411Asp)

Gene: MAGI2 (membrane associated guanylate kinase, WW and PDZ domain containing 2; minus strand). Cytogenetic location: 7q21.11.
Variant type: single nucleotide variant.
Coding change: c.4232G>A on transcript NM_012301.4 (MANE Select); coding-DNA position 4232, G replaced by A.
Protein change: p.Gly1411Asp; replaces glycine 1411 with aspartic acid.
Molecular consequence: missense variant.
Genome position (GRCh38, 1-based): chr7:78,019,451, C>T on the plus strand (G>A on the coding strand, the complement: MAGI2 is on the minus strand). VCF-style: chr7-78019451-C-T. GRCh37 (hg19) VCF-style: chr7-77648768-C-T.
Other names: c.4190G>A, p.Gly1397Asp (NM_001301128.2); short protein forms G1397D, G1411D.
Identifiers: ClinVar variation 1981653 (VCV001981653.4), dbSNP rs996377817, ClinGen allele CA161025208.
Genomic context (GRCh38, chr7:78,019,451, plus strand): 5'-GGCGCGACGGCGGCCTTGCGCGCCGGGGCGCCCCCCGGGGGTCGCGGGCCCGGCCGGGGA[C>T]CCGCGCGCGCACCCGCCCTGCCCTCGGCCTCCAGCGCGCCGCTGCCGCCGCCGCCCGGGC-3'
Protein context (NP_036433.2, residues 1401-1421): EAEGRAGARA[Gly1411Asp]PRPGPRPPGG

ClinVar aggregate classification (germline): Uncertain significance (1 of 4 stars; one submission).

Allele frequency attached by ClinVar (database versions not stated): gnomAD 0.00001; TOPMed 0.00001; gnomAD exomes 0.00002.
gnomAD v4.1: 22 of 983,750 alleles (0.0022%); highest among the groups gnomAD compares: Non-Finnish European, 0.002%; no homozygotes.

Submission:

Labcorp Genetics (formerly Invitae), Labcorp
Classification: Uncertain significance. Last evaluated: 2022-05-18. Review status: criteria provided, single submitter. Criteria: Invitae Variant Classification Sherloc (09022015). Collection method: clinical testing. Allele origin: germline.
Comment: In summary, the available evidence is currently insufficient to determine the role of this variant in disease. Therefore, it has been classified as a Variant of Uncertain Significance. Algorithms developed to predict the effect of missense changes on protein structure and function are either unavailable or do not agree on the potential impact of this missense change (SIFT: "Deleterious"; PolyPhen-2: "Not Available"; Align-GVGD: "Class C0"). This variant has not been reported in the literature in individuals affected with MAGI2-related conditions. The frequency data for this variant in the population databases is considered unreliable, as metrics indicate insufficient coverage at this position in the gnomAD database. This sequence change replaces glycine, which is neutral and non-polar, with aspartic acid, which is acidic and polar, at codon 1411 of the MAGI2 protein (p.Gly1411Asp).